The following is an entry in ClinVar:

NM_025114.4(CEP290):c.3643G>A (p.Ala1215Thr)

Gene: CEP290 (centrosomal protein 290; minus strand). Cytogenetic location: 12q21.32.
Variant type: single nucleotide variant.
Coding change: c.3643G>A on transcript NM_025114.4 (MANE Select); coding-DNA position 3643, G replaced by A.
Protein change: p.Ala1215Thr; replaces alanine 1215 with threonine.
Molecular consequence: missense variant.
Genome position (GRCh38, 1-based): chr12:88,089,418, C>T on the plus strand (G>A on the coding strand, the complement: CEP290 is on the minus strand). VCF-style: chr12-88089418-C-T. GRCh37 (hg19) VCF-style: chr12-88483195-C-T.
Other names: c.3643G>A (NM_025114.3); short protein forms A1215T.
Identifiers: ClinVar variation 2182664 (VCV002182664.2), dbSNP rs1308720371, ClinGen allele CA386001029.

ClinVar aggregate classification (germline): Uncertain significance. Review status: criteria provided, multiple submitters, no conflicts (2 of 4 stars). 2 submissions from 2 submitters: Uncertain significance (2). Last evaluated 2025-06-03.

Conditions:
Inborn genetic diseases. Identifiers: MedGen C0950123, MeSH D030342.
Joubert syndrome. Also called: CEREBELLOPARENCHYMAL DISORDER IV; JOUBERT-BOLTSHAUSER SYNDROME; Familial aplasia of the vermis. Identifiers: Orphanet 475, MedGen C5979921, MONDO:0018772.
Nephronophthisis. Also called: Juvenile Nephronophthisis. Identifiers: Orphanet 655, MedGen C0687120, MONDO:0019005, HP:0000090.
Meckel-Gruber syndrome. Also called: DYSENCEPHALIA SPLANCHNOCYSTICA; GRUBER SYNDROME; Dysencephalia splachnocystica. Identifiers: Orphanet 564, MedGen C0265215, MONDO:0018921.

Allele frequency attached by ClinVar (database versions not stated): TOPMed 0.00001; gnomAD exomes 0.00002.
gnomAD v4.1: 27 of 1,609,390 alleles (0.0017%); highest among the groups gnomAD compares: Non-Finnish European, 0.0023%; no homozygotes.

Submissions (2):

Ambry Genetics
Classification: Uncertain significance for Inborn genetic diseases. Last evaluated: 2025-06-03. Review status: criteria provided, single submitter. Criteria: Ambry Variant Classification Scheme 2023. Collection method: clinical testing. Allele origin: germline.

Labcorp Genetics (formerly Invitae), Labcorp
Classification: Uncertain significance for Joubert syndrome; Meckel-Gruber syndrome; Nephronophthisis. Last evaluated: 2022-07-24. Review status: criteria provided, single submitter. Criteria: Invitae Variant Classification Sherloc (09022015). Collection method: clinical testing. Allele origin: germline.
Comment: This sequence change replaces alanine, which is neutral and non-polar, with threonine, which is neutral and polar, at codon 1215 of the CEP290 protein (p.Ala1215Thr). This variant is not present in population databases (gnomAD no frequency). This variant has not been reported in the literature in individuals affected with CEP290-related conditions. Algorithms developed to predict the effect of missense changes on protein structure and function output the following: SIFT: "Deleterious"; PolyPhen-2: "Benign"; Align-GVGD: "Class C0". The threonine amino acid residue is found in multiple mammalian species, which suggests that this missense change does not adversely affect protein function. In summary, the available evidence is currently insufficient to determine the role of this variant in disease. Therefore, it has been classified as a Variant of Uncertain Significance.